The following is an entry in ClinVar:

ClinVar aggregate classification (germline): Likely pathogenic (1 of 4 stars; one submission).

Submission:

Labcorp Genetics (formerly Invitae), Labcorp
Classification: Likely pathogenic. Last evaluated: 2021-12-09. Review status: criteria provided, single submitter. Criteria: Invitae Variant Classification Sherloc (09022015). Collection method: clinical testing. Allele origin: germline.
Comment: This sequence change replaces tryptophan, which is neutral and slightly polar, with glycine, which is neutral and non-polar, at codon 309 of the MUT protein (p.Trp309Gly). This variant is not present in population databases (gnomAD no frequency). Algorithms developed to predict the effect of missense changes on protein structure and function are either unavailable or do not agree on the potential impact of this missense change (SIFT: "Deleterious"; PolyPhen-2: "Probably Damaging"; Align-GVGD: "Class C0"). In summary, the currently available evidence indicates that the variant is pathogenic, but additional data are needed to prove that conclusively. Therefore, this variant has been classified as Likely Pathogenic. Experimental studies have shown that this missense change affects MUT function (PMID: 28101778). This missense change has been observed in individual(s) with methylmalonic aciduria (PMID: 26454439). In at least one individual the data is consistent with being in trans (on the opposite chromosome) from a pathogenic variant.

Literature cited by the submitters: PubMed 28101778; PubMed 26454439.

NM_000255.4(MMUT):c.925T>G (p.Trp309Gly)

Gene: MMUT (methylmalonyl-CoA mutase; minus strand). Cytogenetic location: 6p12.3.
Variant type: single nucleotide variant.
Coding change: c.925T>G on transcript NM_000255.4 (MANE Select); coding-DNA position 925, T replaced by G.
Protein change: p.Trp309Gly; replaces tryptophan 309 with glycine.
Molecular consequence: missense variant.
Genome position (GRCh38, 1-based): chr6:49,453,743, A>C on the plus strand (T>G on the coding strand, the complement: MMUT is on the minus strand). VCF-style: chr6-49453743-A-C. GRCh37 (hg19) VCF-style: chr6-49421456-A-C.
Other names: short protein forms W309G.
Identifiers: ClinVar variation 1524479 (VCV001524479.6), dbSNP rs2127418704, ClinGen allele CA364401026.